The following is an entry in ClinVar:

ClinVar aggregate classification (germline): Uncertain significance. Review status: criteria provided, multiple submitters, no conflicts (2 of 4 stars). 2 submissions from 2 submitters: Uncertain significance (2). Last evaluated 2025-01-30.

Conditions:
Inborn genetic diseases. Identifiers: MedGen C0950123, MeSH D030342.

gnomAD v4.1: 4 of 1,613,010 alleles (0.00025%); highest among the groups gnomAD compares: South Asian, 0.0011%; no homozygotes.

Submissions (2):

Labcorp Genetics (formerly Invitae), Labcorp
Classification: Uncertain significance. Last evaluated: 2025-01-30. Review status: criteria provided, single submitter. Criteria: Invitae Variant Classification Sherloc (09022015). Collection method: clinical testing. Allele origin: germline.
Comment: This sequence change replaces aspartic acid, which is acidic and polar, with asparagine, which is neutral and polar, at codon 700 of the MYO7A protein (p.Asp700Asn). This variant is present in population databases (rs782740550, gnomAD 0.003%). This variant has not been reported in the literature in individuals affected with MYO7A-related conditions. ClinVar contains an entry for this variant (Variation ID: 3401639). Invitae Evidence Modeling of protein sequence and biophysical properties (such as structural, functional, and spatial information, amino acid conservation, physicochemical variation, residue mobility, and thermodynamic stability) indicates that this missense variant is not expected to disrupt MYO7A protein function with a negative predictive value of 95%. In summary, the available evidence is currently insufficient to determine the role of this variant in disease. Therefore, it has been classified as a Variant of Uncertain Significance.

Ambry Genetics
Classification: Uncertain significance for Inborn genetic diseases. Last evaluated: 2024-07-16. Review status: criteria provided, single submitter. Criteria: Ambry Variant Classification Scheme 2023. Collection method: clinical testing. Allele origin: germline.

NM_000260.4(MYO7A):c.2098G>A (p.Asp700Asn)

Gene: MYO7A (myosin VIIA; plus strand). Cytogenetic location: 11q13.5.
Variant type: single nucleotide variant.
Coding change: c.2098G>A on transcript NM_000260.4 (MANE Select); coding-DNA position 2098, G replaced by A.
Protein change: p.Asp700Asn; replaces aspartic acid 700 with asparagine.
Molecular consequence: missense variant.
Genome position (GRCh38, 1-based): chr11:77,175,375, G>A. VCF-style: chr11-77175375-G-A. GRCh37 (hg19) VCF-style: chr11-76886421-G-A.
Other names: c.2098G>A, p.Asp700Asn (NM_001127180.2); c.2065G>A, p.Asp689Asn (NM_001369365.1); short protein forms D689N, D700N.
Identifiers: ClinVar variation 3401639 (VCV003401639.2).